The following is an entry in ClinVar:

ClinVar aggregate classification (germline): Pathogenic (1 of 4 stars; one submission).

Conditions:
Cerebral cavernous malformation (CCM). Also called: Cerebral cavernous hemangioma (type); CAVERNOUS ANGIOMA, FAMILIAL; CAVERNOUS ANGIOMATOUS MALFORMATIONS; CEREBRAL CAPILLARY MALFORMATIONS; Cavernous Hemangioma of Brain; Cerebral cavernous malformations. Identifiers: Orphanet 221061, MedGen C2919945, MONDO:0000820, OMIM 116860, HP:0033522.

Submission:

Labcorp Genetics (formerly Invitae), Labcorp
Classification: Pathogenic for Cerebral cavernous malformation. Last evaluated: 2020-03-10. Review status: criteria provided, single submitter. Criteria: Invitae Variant Classification Sherloc (09022015). Collection method: clinical testing. Allele origin: germline.
Comment: For these reasons, this variant has been classified as Pathogenic. This variant disrupts the C-terminus of the KRIT1 protein. Other variant(s) that disrupt this region (p.Phe708*) have been determined to be pathogenic (Invitae). This suggests that variants that disrupt this region of the protein are likely to be causative of disease. This variant has not been reported in the literature in individuals with KRIT1-related conditions. This variant is a gross deletion of the genomic region encompassing exons 15-20 of the KRIT1 gene. The 5' boundary is likely confined to intron 14. The 3' end of this event is unknown as it extends through the termination codon beyond the assayed region for this gene and may encompass additional genes. While this deletion is not anticipated to result in nonsense mediated decay, it is expected to create a truncated protein product or disrupt mRNA translation.

NC_000007.13:g.(?_91829918)_(91851387_?)del

Gene: KRIT1 (KRIT1 ankyrin repeat containing; minus strand). Cytogenetic location: 7q21.2.
Variant type: Deletion.
Identifiers: ClinVar variation 1072402 (VCV001072402.8).